The following is an entry in ClinVar:

ClinVar aggregate classification (germline): Conflicting classifications of pathogenicity. Review status: criteria provided, conflicting classifications (1 of 4 stars). 13 submissions from 13 submitters: Uncertain significance (2); Benign (4); Likely benign (4). 3 of the submissions do not count toward it. Last evaluated 2026-01-21.

Conditions:
ST3GAL3-related disorder. Also called: ST3GAL3-related condition; ST3GAL3-Related Disorders.
Early-infantile DEE. Also called: Ohtahara syndrome; Early infantile epileptic encephalopathy; Early infantile epileptic encephalopathy with suppression bursts. Identifiers: Orphanet 1934, MedGen C0393706, MONDO:0800491.
Inborn genetic diseases. Identifiers: MedGen C0950123, MeSH D030342.

Allele frequency attached by ClinVar (database versions not stated): 1000 Genomes Project 0.00060; 1000 Genomes Project 30x 0.00062; TOPMed 0.00136; gnomAD exomes 0.00156; gnomAD 0.00171 and 0.00183; ExAC 0.00178; ESP Exome Variant Server 0.00185.
gnomAD v4.1: 3,663 of 1,614,140 alleles (0.23%); highest among the groups gnomAD compares: Non-Finnish European, 0.28%; 7 homozygotes.

Submissions (13):

Labcorp Genetics (formerly Invitae), Labcorp
Classification: Benign for Early-infantile DEE. Last evaluated: 2026-01-21. Review status: criteria provided, single submitter. Criteria: Invitae Variant Classification Sherloc (09022015). Collection method: clinical testing. Allele origin: germline.

CeGaT Center for Human Genetics Tuebingen
Classification: Likely benign. Last evaluated: 2026-01-01. Review status: criteria provided, single submitter. Criteria: CeGaT Center For Human Genetics Tuebingen Variant Classification Criteria Version 2. Collection method: clinical testing. Allele origin: germline. Affected: yes. Observed: 8 variant alleles.
Comment: ST3GAL3: BP4

ARUP Laboratories, Molecular Genetics and Genomics, ARUP Laboratories
Classification: Benign. Last evaluated: 2025-04-18. Review status: criteria provided, single submitter. Criteria: ARUP Molecular Germline Variant Investigation Process 2024. Collection method: clinical testing. Allele origin: germline.

PreventionGenetics, part of Exact Sciences
Classification: Likely benign for ST3GAL3-related condition. Last evaluated: 2024-11-15. Review status: criteria provided, single submitter. Criteria: ACMG Guidelines, 2015. Collection method: clinical testing. Allele origin: germline.
Comment: This variant is classified as likely benign based on ACMG/AMP sequence variant interpretation guidelines (Richards et al. 2015 PMID: 25741868, with internal and published modifications).

Blueprint Genetics
Classification: Likely benign. Last evaluated: 2024-11-11. Review status: criteria provided, single submitter. Criteria: ACMG Guidelines, 2015. Collection method: clinical testing. Allele origin: germline.

Athena Diagnostics
Classification: Benign. Last evaluated: 2024-03-04. Review status: criteria provided, single submitter. Criteria: Athena Diagnostics Criteria. Collection method: clinical testing. Allele origin: unknown.

Mayo Clinic Laboratories, Mayo Clinic
Classification: Benign. Last evaluated: 2023-07-11. Review status: criteria provided, single submitter. Criteria: ACMG Guidelines, 2015. Collection method: clinical testing. Allele origin: germline. Observed: 2 variant alleles.
Comment: BS1, BS2, BP4, BP7

Eurofins Ntd Llc (ga)
Classification: Uncertain significance. Last evaluated: 2016-06-22. Review status: criteria provided, single submitter. Criteria: EGL Classification Definitions 2015. Collection method: clinical testing. Allele origin: germline. Observed: 2 variant alleles, 2 heterozygotes.

Ambry Genetics
Classification: Likely benign for Inborn genetic diseases. Last evaluated: 2016-02-09. Review status: criteria provided, single submitter. Criteria: Ambry Variant Classification Scheme 2023. Collection method: clinical testing. Allele origin: germline.

Genetic Services Laboratory, University of Chicago
Classification: Uncertain significance. Last evaluated: 2015-07-02. Review status: criteria provided, single submitter. Criteria: ACMG Guidelines, 2015. Collection method: clinical testing. Allele origin: germline.

Clinical Genetics DNA and cytogenetics Diagnostics Lab, Erasmus MC, Erasmus Medical Center
Classification: Likely benign. Review status: no assertion criteria provided. Collection method: clinical testing. Allele origin: germline. Affected: yes. Study: VKGL Data-share Consensus. Not counted in ClinVar's aggregate classification.

Diagnostic Laboratory, Department of Genetics, University Medical Center Groningen
Classification: Likely benign. Review status: no assertion criteria provided. Collection method: clinical testing. Allele origin: germline. Affected: yes. Study: VKGL Data-share Consensus. Not counted in ClinVar's aggregate classification.

Genome Diagnostics Laboratory, University Medical Center Utrecht
Classification: Likely benign. Review status: no assertion criteria provided. Collection method: clinical testing. Allele origin: germline. Affected: yes. Study: VKGL Data-share Consensus. Not counted in ClinVar's aggregate classification.

NM_006279.5(ST3GAL3):c.618C>T (p.Arg206=)

Gene: ST3GAL3 (ST3 beta-galactoside alpha-2,3-sialyltransferase 3; plus strand). Cytogenetic location: 1p34.1.
Variant type: single nucleotide variant.
Coding change: c.618C>T on transcript NM_006279.5 (MANE Select); coding-DNA position 618, C replaced by T.
Protein change: p.Arg206=; no amino-acid change (arginine 206 retained).
Molecular consequence: synonymous variant. On other transcripts: non-coding transcript variant (5), intron variant (7).
Genome position (GRCh38, 1-based): chr1:43,899,601, C>T. VCF-style: chr1-43899601-C-T. GRCh37 (hg19) VCF-style: chr1-44365273-C-T.
Other names: p.Arg206=; c.618C>T, p.Arg206= (NM_001270459.2, NM_001350620.2, NM_174966.4); c.525C>T, p.Arg175= (NM_001270460.2); c.570C>T, p.Arg190= (NM_001270461.3, NM_174969.4); c.477C>T, p.Arg159= (NM_001270462.3); c.663C>T, p.Arg221= (NM_001350619.2, NM_174964.4); c.825C>T (NM_174963.3); c.339C>T, p.Arg113= (NM_001350621.2); and 10 more.
Identifiers: ClinVar variation 212319 (VCV000212319.55), dbSNP rs115003742, ClinGen allele CA207470.